The following is an entry in ClinVar:

ClinVar aggregate classification (germline): Uncertain significance. Review status: criteria provided, multiple submitters, no conflicts (2 of 4 stars). 3 submissions from 3 submitters: Uncertain significance (3). Last evaluated 2022-08-15.

Conditions:
Congenital myasthenic syndrome 4A. Also called: CONGENITAL MYASTHENIC SYNDROME TYPE Ia1; Myasthenic syndrome, congenital, 4a, slow-channel; MYASTHENIC SYNDROME, CONGENITAL, 4A, SLOW-CHANNEL, AUTOSOMAL RECESSIVE. Identifiers: Orphanet 590, MedGen C4225413, MONDO:0011600, OMIM 605809.
Inborn genetic diseases. Identifiers: MedGen C0950123, MeSH D030342.

Allele frequency attached by ClinVar (database versions not stated): gnomAD 0.00001; TOPMed 0.00001; ExAC 0.00004; 1000 Genomes Project 30x 0.00016; 1000 Genomes Project 0.00020.
gnomAD v4.1: 26 of 1,605,876 alleles (0.0016%); highest among the groups gnomAD compares: East Asian, 0.016%; no homozygotes.

Submissions (3):

Labcorp Genetics (formerly Invitae), Labcorp
Classification: Uncertain significance for Congenital myasthenic syndrome 4A. Last evaluated: 2022-08-15. Review status: criteria provided, single submitter. Criteria: Invitae Variant Classification Sherloc (09022015). Collection method: clinical testing. Allele origin: germline.
Comment: This sequence change replaces arginine, which is basic and polar, with tryptophan, which is neutral and slightly polar, at codon 401 of the CHRNE protein (p.Arg401Trp). The frequency data for this variant in the population databases is considered unreliable, as metrics indicate poor data quality at this position in the gnomAD database. This variant has not been reported in the literature in individuals affected with CHRNE-related conditions. Algorithms developed to predict the effect of missense changes on protein structure and function are either unavailable or do not agree on the potential impact of this missense change (SIFT: "Deleterious"; PolyPhen-2: "Probably Damaging"; Align-GVGD: "Class C0"). In summary, the available evidence is currently insufficient to determine the role of this variant in disease. Therefore, it has been classified as a Variant of Uncertain Significance.

Ambry Genetics
Classification: Uncertain significance for Inborn genetic diseases. Last evaluated: 2022-05-27. Review status: criteria provided, single submitter. Criteria: Ambry Variant Classification Scheme 2023. Collection method: clinical testing. Allele origin: germline.

Revvity Omics, Revvity
Classification: Uncertain significance. Last evaluated: 2019-01-31. Review status: criteria provided, single submitter. Criteria: ACMG Guidelines, 2015. Collection method: clinical testing. Allele origin: germline.

NM_000080.4(CHRNE):c.1201C>T (p.Arg401Trp)

Genes: CHRNE (cholinergic receptor nicotinic epsilon subunit; minus strand), LOC130060040 (ATAC-STARR-seq lymphoblastoid silent region 8049; plus strand). Cytogenetic location: 17p13.2.
Variant type: single nucleotide variant.
Coding change: c.1201C>T on transcript NM_000080.4 (MANE Select); coding-DNA position 1201, C replaced by T.
Protein change: p.Arg401Trp; replaces arginine 401 with tryptophan.
Molecular consequence: missense variant.
Genome position (GRCh38, 1-based): chr17:4,899,216, G>A on the plus strand (C>T on the coding strand, the complement: CHRNE is on the minus strand). VCF-style: chr17-4899216-G-A. GRCh37 (hg19) VCF-style: chr17-4802511-G-A.
Other names: c.1201C>T (NM_000080.3); short protein forms R401W.
Identifiers: ClinVar variation 2157596 (VCV002157596.5), dbSNP rs551856227, ClinGen allele CA8313983.
Genomic context (GRCh38, chr17:4,899,216, plus strand): 5'-GGCACCCCGCGCGGCCCCCCGGGCCAGGGCCACTGTGCTCACCCGTCCAGGTCCCCTGCC[G>A]GTGCCTCTGCCCCTCAAACACGAGCTCGCTCCGTGGCTTTTTCAGTATCAGCTCCTCCGC-3'
Protein context (NP_000071.1, residues 391-411): SELVFEGQRH[Arg401Trp]QGTWTAAFCQ